The following is an entry in ClinVar:

ClinVar aggregate classification (germline): Uncertain significance (1 of 4 stars; one submission).

Conditions:
Inborn genetic diseases. Identifiers: MedGen C0950123, MeSH D030342.

gnomAD v4.1: 1 of 1,614,210 alleles (0.000062%); highest among the groups gnomAD compares: Non-Finnish European, 0.000085%; no homozygotes.

Submission:

Ambry Genetics
Classification: Uncertain significance for Inborn genetic diseases. Last evaluated: 2024-12-14. Review status: criteria provided, single submitter. Criteria: Ambry Variant Classification Scheme 2023. Collection method: clinical testing. Allele origin: germline.
Comment: The p.L155S variant (also known as c.464T>C), located in coding exon 4 of the G6PC3 gene, results from a T to C substitution at nucleotide position 464. The leucine at codon 155 is replaced by serine, an amino acid with dissimilar properties. This amino acid position is conserved. In addition, the in silico prediction for this alteration is inconclusive. Based on the available evidence, the clinical significance of this variant remains unclear.

NM_138387.4(G6PC3):c.464T>C (p.Leu155Ser)

Gene: G6PC3 (glucose-6-phosphatase catalytic subunit 3; plus strand). Cytogenetic location: 17q21.31.
Variant type: single nucleotide variant.
Coding change: c.464T>C on transcript NM_138387.4 (MANE Select); coding-DNA position 464, T replaced by C.
Protein change: p.Leu155Ser; replaces leucine 155 with serine.
Molecular consequence: missense variant. On other transcripts: intron variant (1).
Genome position (GRCh38, 1-based): chr17:44,075,016, T>C. VCF-style: chr17-44075016-T-C. GRCh37 (hg19) VCF-style: chr17-42152384-T-C.
Other names: c.119T>C, p.Leu40Ser (NM_001384165.1, NM_001384166.1, NM_001384167.1 and 1 more transcripts); c.416+246T>C (NM_001319945.2); short protein forms L40S, L155S.
Identifiers: ClinVar variation 3852323 (VCV003852323.1).